The following is an entry in ClinVar:

NM_001195263.2(PDZD7):c.1871G>A (p.Arg624His)

Gene: PDZD7 (PDZ domain containing 7; minus strand). Cytogenetic location: 10q24.31.
Variant type: single nucleotide variant.
Coding change: c.1871G>A on transcript NM_001195263.2 (MANE Select); coding-DNA position 1871, G replaced by A.
Protein change: p.Arg624His; replaces arginine 624 with histidine.
Molecular consequence: missense variant.
Genome position (GRCh38, 1-based): chr10:101,011,987, C>T on the plus strand (G>A on the coding strand, the complement: PDZD7 is on the minus strand). VCF-style: chr10-101011987-C-T. GRCh37 (hg19) VCF-style: chr10-102771744-C-T.
Other names: short protein forms R624H.
Identifiers: ClinVar variation 1437287 (VCV001437287.6), dbSNP rs2134004404, ClinGen allele CA378226324.

ClinVar aggregate classification (germline): Uncertain significance (1 of 4 stars; one submission).

gnomAD v4.1: 4 of 1,550,512 alleles (0.00026%); highest among the groups gnomAD compares: Non-Finnish European, 0.00035%; no homozygotes.

Submission:

Labcorp Genetics (formerly Invitae), Labcorp
Classification: Uncertain significance. Last evaluated: 2024-01-29. Review status: criteria provided, single submitter. Criteria: Invitae Variant Classification Sherloc (09022015). Collection method: clinical testing. Allele origin: germline.
Comment: This sequence change replaces arginine, which is basic and polar, with histidine, which is basic and polar, at codon 624 of the PDZD7 protein (p.Arg624His). This variant is not present in population databases (gnomAD no frequency). This variant has not been reported in the literature in individuals affected with PDZD7-related conditions. ClinVar contains an entry for this variant (Variation ID: 1437287). Advanced modeling of protein sequence and biophysical properties (such as structural, functional, and spatial information, amino acid conservation, physicochemical variation, residue mobility, and thermodynamic stability) performed at Invitae indicates that this missense variant is not expected to disrupt PDZD7 protein function with a negative predictive value of 80%. In summary, the available evidence is currently insufficient to determine the role of this variant in disease. Therefore, it has been classified as a Variant of Uncertain Significance.